The following is an entry in ClinVar:

ClinVar aggregate classification (germline): Uncertain significance (1 of 4 stars; one submission).

Conditions:
Hereditary cancer-predisposing syndrome. Also called: Tumor predisposition; Hereditary Cancer Syndrome; Hereditary neoplastic syndrome; Neoplastic Syndromes, Hereditary. Identifiers: Orphanet 140162, MedGen C0027672, MeSH D009386, MONDO:0015356.

Submission:

Ambry Genetics
Classification: Uncertain significance for Hereditary cancer-predisposing syndrome. Last evaluated: 2023-07-27. Review status: criteria provided, single submitter. Criteria: Ambry Variant Classification Scheme 2023. Collection method: clinical testing. Allele origin: germline.
Comment: The p.E445Q variant (also known as c.1333G>C), located in coding exon 12 of the NF2 gene, results from a G to C substitution at nucleotide position 1333. The glutamic acid at codon 445 is replaced by glutamine, an amino acid with highly similar properties. This amino acid position is conserved. In addition, the in silico prediction for this alteration is inconclusive. Since supporting evidence is limited at this time, the clinical significance of this alteration remains unclear.

NM_000268.4(NF2):c.1333G>C (p.Glu445Gln)

Gene: NF2 (NF2, moesin-ezrin-radixin like (MERLIN) tumor suppressor; plus strand). Cytogenetic location: 22q12.2.
Variant type: single nucleotide variant.
Coding change: c.1333G>C on transcript NM_000268.4 (MANE Select); coding-DNA position 1333, G replaced by C.
Protein change: p.Glu445Gln; replaces glutamic acid 445 with glutamine.
Molecular consequence: missense variant. On other transcripts: intron variant (1).
Genome position (GRCh38, 1-based): chr22:29,673,479, G>C. VCF-style: chr22-29673479-G-C. GRCh37 (hg19) VCF-style: chr22-30069468-G-C.
Other names: c.1219G>C, p.Glu407Gln (NM_001407053.1, NM_001407056.1); c.1210G>C, p.Glu404Gln (NM_001407054.1, NM_001407058.1, NM_181829.3); c.1207G>C, p.Glu403Gln (NM_001407055.1, NM_181828.3); c.1198G>C, p.Glu400Gln (NM_001407057.1, NM_001407059.1); c.1333G>C, p.Glu445Gln (NM_001407060.1, NM_001407066.1, NM_016418.5 and 2 more transcripts); c.1075G>C, p.Glu359Gln (NM_001407062.1); c.1084G>C, p.Glu362Gln (NM_001407063.1, NM_001407064.1, NM_181830.3 and 1 more transcripts); c.799G>C, p.Glu267Gln (NM_001407065.1); and 2 more; short protein forms E403Q, E404Q, E362Q, E445Q, E359Q, E368Q, E267Q, E400Q.
Identifiers: ClinVar variation 2587704 (VCV002587704.2), dbSNP rs2518682522, ClinGen allele CA411148710.